The following is an entry in ClinVar:

ClinVar aggregate classification (germline): Pathogenic/Likely pathogenic. Review status: criteria provided, multiple submitters, no conflicts (2 of 4 stars). 6 submissions from 6 submitters: Pathogenic (2); Likely pathogenic (3). 1 of the submissions does not count toward it. Last evaluated 2025-09-10.

Conditions:
TSC2-related disorder. Also called: TSC2-Related Disorders; TSC2-related condition.
Hereditary cancer-predisposing syndrome. Also called: Tumor predisposition; Neoplastic Syndromes, Hereditary; Hereditary neoplastic syndrome; Hereditary Cancer Syndrome. Identifiers: Orphanet 140162, MedGen C0027672, MeSH D009386, MONDO:0015356.
Tuberous sclerosis syndrome (TSC). Also called: Tuberous Sclerosis Complex; Tuberous sclerosis. Identifiers: Orphanet 805, MedGen C0041341, MONDO:0001734.
Tuberous sclerosis 2 (TSC2). Identifiers: Orphanet 805, MedGen C1860707, MONDO:0013199, OMIM 613254.

Submissions (6):

Labcorp Genetics (formerly Invitae), Labcorp
Classification: Pathogenic for Tuberous sclerosis 2. Last evaluated: 2025-09-10. Review status: criteria provided, single submitter. Criteria: Invitae Variant Classification Sherloc (09022015). Collection method: clinical testing. Allele origin: germline.
Comment: This sequence change replaces alanine, which is neutral and non-polar, with valine, which is neutral and non-polar, at codon 889 of the TSC2 protein (p.Ala889Val). This variant is not present in population databases (gnomAD no frequency). This missense change has been observed in individuals with tuberous sclerosis complex (PMID: 21309039, 21520333, 30185235; internal data). ClinVar contains an entry for this variant (Variation ID: 49586). Invitae Evidence Modeling of protein sequence and biophysical properties (such as structural, functional, and spatial information, amino acid conservation, physicochemical variation, residue mobility, and thermodynamic stability) has been performed for this missense variant. However, the output from this modeling did not meet the statistical confidence thresholds required to predict the impact of this variant on TSC2 protein function. Experimental studies have shown that this missense change affects TSC2 function (PMID: 21309039). This variant disrupts the p.Ala889 amino acid residue in TSC2. Other variant(s) that disrupt this residue have been determined to be pathogenic (internal data). This suggests that this residue is clinically significant, and that variants that disrupt this residue are likely to be disease-causing. For these reasons, this variant has been classified as Pathogenic.

Blueprint Genetics
Classification: Likely pathogenic for TSC2-related disorders. Last evaluated: 2022-10-26. Review status: criteria provided, single submitter. Criteria: ACMG Guidelines, 2015. Collection method: clinical testing. Allele origin: germline. Affected: yes. Observed: 1 variant allele.

Genome-Nilou Lab
Classification: Likely pathogenic for Tuberous sclerosis 2. Last evaluated: 2021-11-07. Review status: criteria provided, single submitter. Criteria: ACMG Guidelines, 2015. Collection method: clinical testing. Allele origin: germline. Affected: no.

Ambry Genetics
Classification: Likely pathogenic for Hereditary cancer-predisposing syndrome. Last evaluated: 2021-07-14. Review status: criteria provided, single submitter. Criteria: Ambry Variant Classification Scheme 2023. Collection method: clinical testing. Allele origin: germline.
Comment: The p.A889V variant (also known as c.2666C>T), located in coding exon 23 of the TSC2 gene, results from a C to T substitution at nucleotide position 2666. The alanine at codon 889 is replaced by valine, an amino acid with similar properties. This alteration has been observed in at least one individual with a personal and/or family history that is consistent with TSC-related disease (Ambry internal data; Invitae pers. comm.; Liu J et al. Mol Brain, 2018 09;11:48). A protein functional assay using a transfection-based immunoblot assay determined this alteration to be deleterious to protein function (Hoogeveen-Westerveld M et al. Hum Mutat, 2011 Apr;32:424-35). This amino acid position is highly conserved in available vertebrate species. In addition, this alteration is predicted to be deleterious by in silico analysis. Based on the majority of available evidence to date, this variant is likely to be pathogenic.

Athena Diagnostics
Classification: Pathogenic for Tuberous sclerosis 2. Last evaluated: 2012-07-05. Review status: criteria provided, single submitter. Criteria: Athena Diagnostics Criteria. Collection method: clinical testing. Allele origin: germline. Inheritance: Autosomal dominant inheritance.

Tuberous sclerosis database (TSC2)
No classification provided. Condition: TSC. Review status: no classification provided. Criteria: Tuberous Sclerosis Database Assertion Criteria 2015. Collection method: curation. Allele origin: germline. Affected: yes. Not counted in ClinVar's aggregate classification.

Literature cited by the submitters: PubMed 21309039 (cited by 3 submitters); PubMed 21520333 (cited by Labcorp Genetics (formerly Invitae), Labcorp); PubMed 30185235 (cited by Labcorp Genetics (formerly Invitae), Labcorp and Ambry Genetics); PubMed 22903760 (cited by Ambry Genetics).

NM_000548.5(TSC2):c.2666C>T (p.Ala889Val)

Gene: TSC2 (TSC complex subunit 2; plus strand). Cytogenetic location: 16p13.3.
Variant type: single nucleotide variant.
Coding change: c.2666C>T on transcript NM_000548.5 (MANE Select); coding-DNA position 2666, C replaced by T.
Protein change: p.Ala889Val; replaces alanine 889 with valine.
Molecular consequence: missense variant.
Genome position (GRCh38, 1-based): chr16:2,076,094, C>T. VCF-style: chr16-2076094-C-T. GRCh37 (hg19) VCF-style: chr16-2126095-C-T.
Other names: c.2666C>T, p.Ala889Val (NM_001077183.3, NM_001114382.3, NM_001363528.2 and 3 more transcripts); c.2555C>T, p.Ala852Val (NM_001318827.2); c.2519C>T, p.Ala840Val (NM_001318829.2); c.2066C>T, p.Ala689Val (NM_001318831.2); c.2699C>T, p.Ala900Val (NM_001318832.2); short protein forms A889V, A689V, A840V, A852V, A900V.
Identifiers: ClinVar variation 49586 (VCV000049586.16), dbSNP rs137854155, ClinGen allele CA017841.
Genomic context (GRCh38, chr16:2,076,094, plus strand): 5'-CCAGGATGGAGTGCCAGCCCCCTTCTCATCTCAGGTTTAATCAGTACATCGTGTGTCTGG[C>T]CCATCACGTCATAGCCATGTGGTTCATCAGGTGCCGCCTGCCCTTCCGGAAGGATTTTGT-3'
Protein context (NP_000539.2, residues 879-899): SKFNQYIVCL[Ala889Val]HHVIAMWFIR